The following is an entry in ClinVar:

NM_001365480.1(CCDC88A):c.1451A>G (p.Asp484Gly)

Gene: CCDC88A (coiled-coil and HOOK domain protein 88A; minus strand). Cytogenetic location: 2p16.1.
Variant type: single nucleotide variant.
Coding change: c.1451A>G on transcript NM_001365480.1 (MANE Select); coding-DNA position 1451, A replaced by G.
Protein change: p.Asp484Gly; replaces aspartic acid 484 with glycine.
Molecular consequence: missense variant.
Genome position (GRCh38, 1-based): chr2:55,339,531, T>C on the plus strand (A>G on the coding strand, the complement: CCDC88A is on the minus strand). VCF-style: chr2-55339531-T-C. GRCh37 (hg19) VCF-style: chr2-55566667-T-C.
Other names: c.1451A>G, p.Asp484Gly (NM_001135597.2, NM_001254943.2, NM_018084.5); short protein forms D484G.
Identifiers: ClinVar variation 1394439 (VCV001394439.8), dbSNP rs2104705327, ClinGen allele CA346903989.
Genomic context (GRCh38, chr2:55,339,531, plus strand): 5'-CTGAGCCTTTGATTTTCTTTTTCCATTTTCAGGATTTTGGAAGCATTGCCTTCTACAGAA[T>C]CCACAGTAGTCCGAAGCTCTTCTACGGTTTTTGTCAAACTTTGATTTTCCATCTCTAGCT-3'
Protein context (NP_001352409.1, residues 474-494): KTVEELRTTV[Asp484Gly]SVEGNASKIL

ClinVar aggregate classification (germline): Uncertain significance (1 of 4 stars; one submission).

Allele frequency attached by ClinVar (database versions not stated): gnomAD exomes 0.00001.
gnomAD v4.1: 5 of 1,613,286 alleles (0.00031%); highest among the groups gnomAD compares: Non-Finnish European, 0.00042%; no homozygotes.

Submission:

Labcorp Genetics (formerly Invitae), Labcorp
Classification: Uncertain significance. Last evaluated: 2023-11-27. Review status: criteria provided, single submitter. Criteria: Invitae Variant Classification Sherloc (09022015). Collection method: clinical testing. Allele origin: germline.
Comment: This sequence change replaces aspartic acid, which is acidic and polar, with glycine, which is neutral and non-polar, at codon 484 of the CCDC88A protein (p.Asp484Gly). This variant is not present in population databases (gnomAD no frequency). This variant has not been reported in the literature in individuals affected with CCDC88A-related conditions. ClinVar contains an entry for this variant (Variation ID: 1394439). Algorithms developed to predict the effect of missense changes on protein structure and function output the following: SIFT: "Not Available"; PolyPhen-2: "Benign"; Align-GVGD: "Not Available". The glycine amino acid residue is found in multiple mammalian species, which suggests that this missense change does not adversely affect protein function. In summary, the available evidence is currently insufficient to determine the role of this variant in disease. Therefore, it has been classified as a Variant of Uncertain Significance.